The following is an entry in ClinVar:

ClinVar aggregate classification (germline): Uncertain significance (1 of 4 stars; one submission).

Submission:

Women's Health and Genetics/Laboratory Corporation of America, LabCorp
Classification: Uncertain significance. Last evaluated: 2026-03-02. Review status: criteria provided, single submitter. Criteria: LabCorp Variant Classification Summary - May 2015. Collection method: clinical testing. Allele origin: germline.
Comment: Variant summary: TNXB c.10393C>G (p.Leu3465Val) results in a conservative amino acid change in the encoded protein sequence. Algorithms developed to predict the effect of missense changes on protein structure and function all suggest that this variant is likely to be tolerated. The variant was absent in 242922 control chromosomes. The available data on variant occurrences in the general population are insufficient to allow any conclusion about variant significance. To our knowledge, no occurrence of c.10393C>G in individuals affected with TNXB-related conditions and no experimental evidence demonstrating its impact on protein function have been reported. No submitters have cited clinical-significance assessments for this variant to ClinVar. Based on the evidence outlined above, the variant was classified as uncertain significance.

NM_001365276.2(TNXB):c.10399C>G (p.Leu3467Val)

Gene: TNXB (tenascin XB; minus strand). Cytogenetic location: 6p21.33.
Variant type: single nucleotide variant.
Coding change: c.10399C>G on transcript NM_001365276.2 (MANE Select); coding-DNA position 10399, C replaced by G.
Protein change: p.Leu3467Val; replaces leucine 3467 with valine.
Molecular consequence: missense variant.
Genome position (GRCh38, 1-based): chr6:32,046,382, G>C on the plus strand (C>G on the coding strand, the complement: TNXB is on the minus strand). VCF-style: chr6-32046382-G-C. GRCh37 (hg19) VCF-style: chr6-32014159-G-C.
Other names: c.11140C>G, p.Leu3714Val (NM_001428335.1); c.10393C>G, p.Leu3465Val (NM_019105.8); short protein forms L3465V, L3467V, L3714V.
Identifiers: ClinVar variation 4847582 (VCV004847582.1).